The following is an entry in ClinVar:

ClinVar aggregate classification (germline): Uncertain significance (1 of 4 stars; one submission).

gnomAD v4.1: 1 of 1,604,922 alleles (0.000062%); highest among the groups gnomAD compares: Non-Finnish European, 0.000085%; no homozygotes.

Submission:

Ambry Genetics
Classification: Uncertain significance. Last evaluated: 2024-06-22. Review status: criteria provided, single submitter. Criteria: Ambry Variant Classification Scheme 2023. Collection method: clinical testing. Allele origin: germline.
Comment: The p.N927K variant (also known as c.2781C>G), located in coding exon 22 of the BUB1 gene, results from a C to G substitution at nucleotide position 2781. The asparagine at codon 927 is replaced by lysine, an amino acid with similar properties. This amino acid position is conserved. In addition, this alteration is predicted to be tolerated by in silico analysis. Since supporting evidence is limited at this time, the clinical significance of this alteration remains unclear.

NM_004336.5(BUB1):c.2781C>G (p.Asn927Lys)

Gene: BUB1 (BUB1 mitotic checkpoint serine/threonine kinase; minus strand). Cytogenetic location: 2q13.
Variant type: single nucleotide variant.
Coding change: c.2781C>G on transcript NM_004336.5 (MANE Select); coding-DNA position 2781, C replaced by G.
Protein change: p.Asn927Lys; replaces asparagine 927 with lysine.
Molecular consequence: missense variant. On other transcripts: intron variant (1).
Genome position (GRCh38, 1-based): chr2:110,641,309, G>C on the plus strand (C>G on the coding strand, the complement: BUB1 is on the minus strand). VCF-style: chr2-110641309-G-C. GRCh37 (hg19) VCF-style: chr2-111398886-G-C.
Other names: c.2721C>G, p.Asn907Lys (NM_001278616.2); c.2626-117C>G (NM_001278617.2); short protein forms N907K, N927K.
Identifiers: ClinVar variation 1795932 (VCV001795932.3), dbSNP rs546139108, ClinGen allele CA53522155.